The following is an entry in ClinVar:

ClinVar aggregate classification (germline): Uncertain significance (1 of 4 stars; one submission).

Conditions:
Angelman syndrome-like. Identifiers: MedGen CN128785.
Developmental and epileptic encephalopathy, 2 (DEE2). Also called: CDKL5 deficiency disorder; INFANTILE SPASM SYNDROME, X-LINKED 2. Identifiers: Orphanet 1934, Orphanet 3451, Orphanet 505652, MedGen C4750718, MONDO:0010396, OMIM 300672.

Submission:

Labcorp Genetics (formerly Invitae), Labcorp
Classification: Uncertain significance for Developmental and epileptic encephalopathy, 2; Angelman syndrome-like. Last evaluated: 2022-09-10. Review status: criteria provided, single submitter. Criteria: Invitae Variant Classification Sherloc (09022015). Collection method: clinical testing. Allele origin: germline.
Comment: In summary, the available evidence is currently insufficient to determine the role of this variant in disease. Therefore, it has been classified as a Variant of Uncertain Significance. Advanced modeling of protein sequence and biophysical properties (such as structural, functional, and spatial information, amino acid conservation, physicochemical variation, residue mobility, and thermodynamic stability) performed at Invitae indicates that this missense variant is not expected to disrupt CDKL5 protein function. This variant has not been reported in the literature in individuals affected with CDKL5-related conditions. This variant is not present in population databases (gnomAD no frequency). This sequence change replaces proline, which is neutral and non-polar, with threonine, which is neutral and polar, at codon 895 of the CDKL5 protein (p.Pro895Thr).

NM_001323289.2(CDKL5):c.2683C>A (p.Pro895Thr)

Gene: CDKL5 (cyclin dependent kinase like 5; plus strand). Cytogenetic location: Xp22.13.
Variant type: single nucleotide variant.
Coding change: c.2683C>A on transcript NM_001323289.2 (MANE Select); coding-DNA position 2683, C replaced by A.
Protein change: p.Pro895Thr; replaces proline 895 with threonine.
Molecular consequence: missense variant.
Genome position (GRCh38, 1-based): chrX:18,628,557, C>A. VCF-style: chrX-18628557-C-A. GRCh37 (hg19) VCF-style: chrX-18646677-C-A.
Other names: c.2683C>A, p.Pro895Thr (NM_001037343.2, NM_003159.3); short protein forms P895T.
Identifiers: ClinVar variation 1719210 (VCV001719210.6), dbSNP rs2518899102, ClinGen allele CA412368014.
Genomic context (GRCh38, chrX:18,628,557, plus strand): 5'-CGGATTCACCCCCTGAGCCAGGCCTCTGGCGGGAGCAGCAACATCCGGCAGGAACCCGCA[C>A]CGAAGGGCAGGCCAGCCCTCCAGCTGCCAGGTCAGATGGATCCTGGTTGGCATGTGTCCT-3'
Protein context (NP_001310218.1, residues 885-905): GSSNIRQEPA[Pro895Thr]KGRPALQLPG